The following is an entry in ClinVar:

ClinVar aggregate classification (germline): Uncertain significance (1 of 4 stars; one submission).

Conditions:
Inborn genetic diseases. Identifiers: MedGen C0950123, MeSH D030342.

Submission:

Ambry Genetics
Classification: Uncertain significance for Inborn genetic diseases. Last evaluated: 2023-01-12. Review status: criteria provided, single submitter. Criteria: Ambry Variant Classification Scheme 2023. Collection method: clinical testing. Allele origin: germline.
Comment: The p.V1655L variant (also known as c.4963G>T), located in coding exon 28 of the ATR gene, results from a G to T substitution at nucleotide position 4963. The valine at codon 1655 is replaced by leucine, an amino acid with highly similar properties. This amino acid position is conserved. In addition, this alteration is predicted to be tolerated by in silico analysis. Since supporting evidence is limited at this time, the clinical significance of this alteration remains unclear.

NM_001184.4(ATR):c.4963G>T (p.Val1655Leu)

Gene: ATR (ATR checkpoint kinase; minus strand). Cytogenetic location: 3q23.
Variant type: single nucleotide variant.
Coding change: c.4963G>T on transcript NM_001184.4 (MANE Select); coding-DNA position 4963, G replaced by T.
Protein change: p.Val1655Leu; replaces valine 1655 with leucine.
Molecular consequence: missense variant.
Genome position (GRCh38, 1-based): chr3:142,507,999, C>A on the plus strand (G>T on the coding strand, the complement: ATR is on the minus strand). VCF-style: chr3-142507999-C-A. GRCh37 (hg19) VCF-style: chr3-142226841-C-A.
Other names: c.4771G>T, p.Val1591Leu (NM_001354579.2); short protein forms V1591L, V1655L.
Identifiers: ClinVar variation 2453566 (VCV002453566.2), dbSNP rs200547342, ClinGen allele CA354820599.